The following is an entry in ClinVar:

NM_001042492.3(NF1):c.2116dup (p.Ala706fs)

Gene: NF1 (neurofibromin 1; plus strand). Cytogenetic location: 17q11.2.
Variant type: Duplication.
Coding change: c.2116dup on transcript NM_001042492.3 (MANE Select); coding-DNA position 2116, one base duplicated (G; older notation c.2116dupG).
Protein change: p.Ala706fs; shifts the reading frame from alanine 706.
Molecular consequence: frameshift variant.
Genome position (GRCh38, 1-based): chr17:31,226,549, G duplicated. VCF-style (leftmost placement, unchanged base first): chr17-31226548-T-TG. GRCh37 (hg19) VCF-style: chr17-29553566-T-TG.
Other names: c.2116dup, p.Ala706Glyfs (NM_000267.4); short protein forms A706fs.
Identifiers: ClinVar variation 1070397 (VCV001070397.5), dbSNP rs2151425815, ClinGen allele CA2499224045.

ClinVar aggregate classification (germline): Pathogenic (1 of 4 stars; one submission).

Conditions:
Neurofibromatosis, type 1 (NF1). Also called: VON RECKLINGHAUSEN DISEASE; Peripheral type neurofibromatosis; NEUROFIBROMATOSIS, TYPE I, SOMATIC; Neurofibromatosis, type I. Identifiers: Orphanet 636, MedGen C0027831, MONDO:0018975, OMIM 162200. Disease mechanism: loss of function.

Submission:

Labcorp Genetics (formerly Invitae), Labcorp
Classification: Pathogenic for Neurofibromatosis, type 1. Last evaluated: 2017-06-14. Review status: criteria provided, single submitter. Criteria: Invitae Variant Classification Sherloc (09022015). Collection method: clinical testing. Allele origin: germline.
Comment: This sequence change creates a premature translational stop signal (p.Ala706Glyfs*10) in the NF1 gene. It is expected to result in an absent or disrupted protein product. This variant is not present in population databases (ExAC no frequency). This variant has not been reported in the literature in individuals with a NF1-related disease. Loss-of-function variants in NF1 are known to be pathogenic (PMID: 10712197, 23913538). For these reasons, this variant has been classified as Pathogenic.

Literature cited by the submitters: PubMed 10712197; PubMed 23913538.